The following is an entry in ClinVar:

NM_000094.4(COL7A1):c.1628G>A (p.Ser543Asn)

Gene: COL7A1 (collagen type VII alpha 1 chain; minus strand). Cytogenetic location: 3p21.31.
Variant type: single nucleotide variant.
Coding change: c.1628G>A on transcript NM_000094.4 (MANE Select); coding-DNA position 1628, G replaced by A.
Protein change: p.Ser543Asn; replaces serine 543 with asparagine.
Molecular consequence: missense variant.
Genome position (GRCh38, 1-based): chr3:48,591,472, C>T on the plus strand (G>A on the coding strand, the complement: COL7A1 is on the minus strand). VCF-style: chr3-48591472-C-T. GRCh37 (hg19) VCF-style: chr3-48628905-C-T.
Other names: short protein forms S543N.
Identifiers: ClinVar variation 345870 (VCV000345870.17), dbSNP rs76410546, ClinGen allele CA2381166.
Genomic context (GRCh38, chr3:48,591,472, plus strand): 5'-CAGGCTGGAACTTCAGTGTGTGTGGTGGGGGTGCTGGCTGCGTCCACCTCACCCTGGGTG[C>T]TGCGCACAATGATGCGGTACTGGGTGGCACCAGGGACTGGGCTCCAGGACACTCGCACCC-3'
Protein context (NP_000085.1, residues 533-553): GATQYRIIVR[Ser543Asn]TQGVERTLVL

ClinVar aggregate classification (germline): Benign. Review status: criteria provided, multiple submitters, no conflicts (2 of 4 stars). 4 submissions from 4 submitters: Benign (2). 2 of the submissions do not count toward it. Last evaluated 2026-01-28.

Conditions:
Epidermolysis bullosa dystrophica. Also called: Dystrophic epidermolysis bullosa, Hallopeau-Siemens type (formerly); Dystrophic epidermolysis bullosa. Identifiers: Orphanet 303, MedGen C0079294, MONDO:0006543.
COL7A1-related disorder. Also called: COL7A1-related condition; COL7A1- related disorders.

Allele frequency attached by ClinVar (database versions not stated): gnomAD exomes 0.00040 and 0.00093; ExAC 0.00121; 1000 Genomes Project 30x 0.00344; 1000 Genomes Project 0.00359; gnomAD 0.00373 and 0.00401; TOPMed 0.00448; ESP Exome Variant Server 0.00454.
gnomAD v4.1: 1,154 of 1,613,706 alleles (0.072%); highest among the groups gnomAD compares: African/African-American, 1.4%; 6 homozygotes.

Submissions (4):

Labcorp Genetics (formerly Invitae), Labcorp
Classification: Benign. Last evaluated: 2026-01-28. Review status: criteria provided, single submitter. Criteria: Invitae Variant Classification Sherloc (09022015). Collection method: clinical testing. Allele origin: germline.

Illumina Laboratory Services, Illumina
Classification: Benign for Dystrophic epidermolysis bullosa. Last evaluated: 2018-01-12. Review status: criteria provided, single submitter. Criteria: ICSL Variant Classification Criteria 13 December 2019. Collection method: clinical testing. Allele origin: germline.
Comment: This variant was observed in the ICSL laboratory as part of a predisposition screen in an ostensibly healthy population. It had not been previously curated by ICSL or reported in the Human Gene Mutation Database (HGMD: prior to June 1st, 2018), and was therefore a candidate for classification through an automated scoring system. Utilizing variant allele frequency, disease prevalence and penetrance estimates, and inheritance mode, an automated score was calculated to assess if this variant is too frequent to cause the disease. Based on the score and internal cut-off values, a variant classified as benign is not then subjected to further curation. The score for this variant resulted in a classification of benign for this disease.

Natera, Inc.
Classification: Benign for Dystrophic epidermolysis bullosa. Last evaluated: 2020-06-04. Review status: no assertion criteria provided. Collection method: clinical testing. Allele origin: germline. Not counted in ClinVar's aggregate classification.

PreventionGenetics, part of Exact Sciences
Classification: Benign for COL7A1-related condition. Last evaluated: 2019-06-18. Review status: no assertion criteria provided. Collection method: clinical testing. Allele origin: germline. Not counted in ClinVar's aggregate classification.
Comment: This variant is classified as benign based on ACMG/AMP sequence variant interpretation guidelines (Richards et al. 2015 PMID: 25741868, with internal and published modifications).